The following is an entry in ClinVar:

ClinVar aggregate classification (germline): Uncertain significance (1 of 4 stars; one submission).

Conditions:
Thrombomodulin-related bleeding disorder (THPH12). Also called: Thrombophilia due to thrombomodulin defect. Identifiers: Orphanet 436169, MedGen C3280976, MONDO:0013775, OMIM 614486.

Submission:

Genomenon, Inc
Classification: Uncertain significance for Thrombomodulin-related bleeding disorder. Last evaluated: 2025-09-22. Review status: criteria provided, single submitter. Criteria: Genomenon Sequence Variant Interpretation Standards - Updated. Collection method: curation. Allele origin: germline. Affected: no.
Comment: THBD p.Asp443Ala (c.1328A>C) is a missense variant that changes the amino acid at residue 443 from Aspartic acid to Alanine. This variant has been reported in the published literature (PMID:8381415). It is absent or not present at a significant frequency in gnomAD. In silico models agree that this variant is possibly or probably damaging. In conclusion, we classify THBD p.Asp443Ala (c.1328A>C) as a variant of unknown significance.

Literature cited by the submitters: PubMed 8381415.

NM_000361.3(THBD):c.1328A>C (p.Asp443Ala)

Gene: THBD (thrombomodulin; minus strand). Cytogenetic location: 20p11.21.
Variant type: single nucleotide variant.
Coding change: c.1328A>C on transcript NM_000361.3 (MANE Select); coding-DNA position 1328, A replaced by C.
Protein change: p.Asp443Ala; replaces aspartic acid 443 with alanine.
Molecular consequence: missense variant.
Genome position (GRCh38, 1-based): chr20:23,048,177, T>G on the plus strand (A>C on the coding strand, the complement: THBD is on the minus strand). VCF-style: chr20-23048177-T-G. GRCh37 (hg19) VCF-style: chr20-23028814-T-G.
Other names: short protein forms D443A.
Identifiers: ClinVar variation 4280459 (VCV004280459.1).